The following is an entry in ClinVar:

ClinVar aggregate classification (germline): Likely pathogenic (1 of 4 stars; one submission).

Conditions:
HSPG2-related disorder. Also called: HSPG2-related condition; HSPG2-related disorders.

Submission:

PreventionGenetics, part of Exact Sciences
Classification: Likely pathogenic for HSPG2-related condition. Last evaluated: 2026-03-02. Review status: criteria provided, single submitter. Criteria: ACMG Guidelines, 2015. Collection method: clinical testing. Allele origin: germline.
Comment: The HSPG2 c.5701+2T>G variant is predicted to disrupt the GT donor site and interfere with normal splicing. To our knowledge, this variant has not been reported in the literature or in a large population database (gnomAD), indicating this variant is rare. Variants that disrupt the consensus splice donor site in HSPG2 are expected to be pathogenic. This variant is interpreted as likely pathogenic.

NM_005529.7(HSPG2):c.5701+2T>G

Gene: HSPG2 (heparan sulfate proteoglycan 2; minus strand). Cytogenetic location: 1p36.12.
Variant type: single nucleotide variant.
Coding change: c.5701+2T>G on transcript NM_005529.7 (MANE Select); the canonical splice donor site of the intron after coding-DNA position 5701, T replaced by G.
Molecular consequence: splice donor variant.
Genome position (GRCh38, 1-based): chr1:21,855,785, A>C on the plus strand (T>G on the coding strand, the complement: HSPG2 is on the minus strand). VCF-style: chr1-21855785-A-C. GRCh37 (hg19) VCF-style: chr1-22182278-A-C.
Other names: c.5704+2T>G (NM_001291860.2).
Identifiers: ClinVar variation 4992432 (VCV004992432.1).